The following is an entry in ClinVar:

NM_005188.4(CBL):c.2530A>G (p.Ser844Gly)

Gene: CBL (Cbl proto-oncogene; plus strand). Cytogenetic location: 11q23.3.
Variant type: single nucleotide variant.
Coding change: c.2530A>G on transcript NM_005188.4 (MANE Select); coding-DNA position 2530, A replaced by G.
Protein change: p.Ser844Gly; replaces serine 844 with glycine.
Molecular consequence: missense variant.
Genome position (GRCh38, 1-based): chr11:119,299,590, A>G. VCF-style: chr11-119299590-A-G. GRCh37 (hg19) VCF-style: chr11-119170300-A-G.
Other names: c.2530A>G (NM_005188.2); short protein forms S844G.
Identifiers: ClinVar variation 2018577 (VCV002018577.5), dbSNP rs587778159, ClinGen allele CA382932401.

ClinVar aggregate classification (germline): Conflicting classifications of pathogenicity. Review status: criteria provided, conflicting classifications (1 of 4 stars). 2 submissions from 2 submitters: Uncertain significance (1); Likely benign (1). Last evaluated 2025-12-20.

Conditions:
Cardiovascular phenotype. Identifiers: MedGen CN230736.
RASopathy. Also called: rasopathies; Noonan spectrum disorder. Identifiers: Orphanet 536391, MedGen C5555857, MONDO:0021060.

gnomAD v4.1: 1 of 1,614,194 alleles (0.000062%); highest among the groups gnomAD compares: Non-Finnish European, 0.000085%; no homozygotes.

Submissions (2):

Labcorp Genetics (formerly Invitae), Labcorp
Classification: Uncertain significance for RASopathy. Last evaluated: 2025-12-20. Review status: criteria provided, single submitter. Criteria: Invitae Variant Classification Sherloc (09022015). Collection method: clinical testing. Allele origin: germline.
Comment: This sequence change replaces serine, which is neutral and polar, with glycine, which is neutral and non-polar, at codon 844 of the CBL protein (p.Ser844Gly). This variant is present in population databases (no rsID available, gnomAD 0.0009%). This variant has not been reported in the literature in individuals affected with CBL-related conditions. ClinVar contains an entry for this variant (Variation ID: 2018577). Invitae Evidence Modeling of protein sequence and biophysical properties (such as structural, functional, and spatial information, amino acid conservation, physicochemical variation, residue mobility, and thermodynamic stability) indicates that this missense variant is not expected to disrupt CBL protein function with a negative predictive value of 95%. In summary, the available evidence is currently insufficient to determine the role of this variant in disease. Therefore, it has been classified as a Variant of Uncertain Significance.

Ambry Genetics
Classification: Likely benign for Cardiovascular phenotype. Last evaluated: 2025-05-19. Review status: criteria provided, single submitter. Criteria: Ambry Variant Classification Scheme 2023. Collection method: clinical testing. Allele origin: germline.